The following is an entry in ClinVar:

ClinVar aggregate classification (germline): Uncertain significance. Review status: criteria provided, multiple submitters, no conflicts (2 of 4 stars). 2 submissions from 2 submitters: Uncertain significance (2). Last evaluated 2026-09-01.

Conditions:
Polycystic liver disease 1 (PCLD1). Also called: Polycystic liver disease 1 with or without kidney cysts. Identifiers: Orphanet 2924, MedGen C0887850, MONDO:0008265, OMIM 174050.

gnomAD v4.1: 9 of 1,613,956 alleles (0.00056%); highest among the groups gnomAD compares: Middle Eastern, 0.016%; no homozygotes.

Submissions (2):

CeGaT Center for Human Genetics Tuebingen
Classification: Uncertain significance. Last evaluated: 2026-09-01. Review status: criteria provided, single submitter. Criteria: CeGaT Center For Human Genetics Tuebingen Variant Classification Criteria Version 2. Collection method: clinical testing. Allele origin: germline. Affected: yes. Observed: 1 variant allele.
Comment: PRKCSH: PM2, BP4

Department of Pathology and Laboratory Medicine, Sinai Health System
Classification: Uncertain significance for Polycystic liver disease 1. Last evaluated: 2021-11-02. Review status: criteria provided, single submitter. Criteria: ACMG Guidelines, 2015. Collection method: research. Allele origin: germline.

NM_001289104.2(PRKCSH):c.328G>A (p.Val110Ile)

Gene: PRKCSH (PRKCSH beta subunit of glucosidase II; plus strand). Cytogenetic location: 19p13.2.
Variant type: single nucleotide variant.
Coding change: c.328G>A on transcript NM_001289104.2 (MANE Select); coding-DNA position 328, G replaced by A.
Protein change: p.Val110Ile; replaces valine 110 with isoleucine.
Molecular consequence: missense variant.
Genome position (GRCh38, 1-based): chr19:11,438,102, G>A. VCF-style: chr19-11438102-G-A. GRCh37 (hg19) VCF-style: chr19-11548923-G-A.
Other names: c.328G>A, p.Val110Ile (NM_001001329.3, NM_001289102.2, NM_001289103.2 and 3 more transcripts); short protein forms V110I.
Identifiers: ClinVar variation 3892180 (VCV003892180.2).